The following is an entry in ClinVar:

NM_000327.4(ROM1):c.812T>A (p.Met271Lys)

Gene: ROM1 (retinal outer segment membrane protein 1; plus strand). Cytogenetic location: 11q12.3.
Variant type: single nucleotide variant.
Coding change: c.812T>A on transcript NM_000327.4 (MANE Select); coding-DNA position 812, T replaced by A.
Protein change: p.Met271Lys; replaces methionine 271 with lysine.
Molecular consequence: missense variant.
Genome position (GRCh38, 1-based): chr11:62,614,479, T>A. VCF-style: chr11-62614479-T-A. GRCh37 (hg19) VCF-style: chr11-62381951-T-A.
Other names: short protein forms M271K.
Identifiers: ClinVar variation 963781 (VCV000963781.8), dbSNP rs137950927, ClinGen allele CA6049837.

ClinVar aggregate classification (germline): Uncertain significance. Review status: criteria provided, multiple submitters, no conflicts (2 of 4 stars). 2 submissions from 2 submitters: Uncertain significance (2). Last evaluated 2024-11-05.

Allele frequency attached by ClinVar (database versions not stated): TOPMed 0.00001.
gnomAD v4.1: 38 of 1,614,044 alleles (0.0024%); highest among the groups gnomAD compares: Admixed American, 0.0067%; no homozygotes.

Submissions (2):

Labcorp Genetics (formerly Invitae), Labcorp
Classification: Uncertain significance. Last evaluated: 2024-11-05. Review status: criteria provided, single submitter. Criteria: Invitae Variant Classification Sherloc (09022015). Collection method: clinical testing. Allele origin: germline.
Comment: This sequence change replaces methionine, which is neutral and non-polar, with lysine, which is basic and polar, at codon 271 of the ROM1 protein (p.Met271Lys). This variant is present in population databases (rs137950927, gnomAD 0.01%). This variant has not been reported in the literature in individuals affected with ROM1-related conditions. ClinVar contains an entry for this variant (Variation ID: 963781). Invitae Evidence Modeling of protein sequence and biophysical properties (such as structural, functional, and spatial information, amino acid conservation, physicochemical variation, residue mobility, and thermodynamic stability) indicates that this missense variant is not expected to disrupt ROM1 protein function with a negative predictive value of 80%. In summary, the available evidence is currently insufficient to determine the role of this variant in disease. Therefore, it has been classified as a Variant of Uncertain Significance.

Blueprint Genetics
Classification: Uncertain significance. Last evaluated: 2024-08-06. Review status: criteria provided, single submitter. Criteria: ACMG Guidelines, 2015. Collection method: clinical testing. Allele origin: germline.